The following is an entry in ClinVar:

NM_003954.5(MAP3K14):c.215A>C (p.Glu72Ala)

Gene: MAP3K14 (mitogen-activated protein kinase kinase kinase 14; minus strand). Cytogenetic location: 17q21.31.
Variant type: single nucleotide variant.
Coding change: c.215A>C on transcript NM_003954.5 (MANE Select); coding-DNA position 215, A replaced by C.
Protein change: p.Glu72Ala; replaces glutamic acid 72 with alanine.
Molecular consequence: missense variant.
Genome position (GRCh38, 1-based): chr17:45,290,531, T>G on the plus strand (A>C on the coding strand, the complement: MAP3K14 is on the minus strand). VCF-style: chr17-45290531-T-G. GRCh37 (hg19) VCF-style: chr17-43367897-T-G.
Other names: short protein forms E72A.
Identifiers: ClinVar variation 2197378 (VCV002197378.3), dbSNP rs746803163, ClinGen allele CA8614434.

ClinVar aggregate classification (germline): Uncertain significance (1 of 4 stars; one submission).

Conditions:
NIK deficiency. Also called: Primary immunodeficiency with multifaceted aberrant lymphoid immunity. Identifiers: Orphanet 447731, MedGen C5680065, MONDO:0018642.

Allele frequency attached by ClinVar (database versions not stated): TOPMed below 0.00001; ExAC 0.00001.

Submission:

Labcorp Genetics (formerly Invitae), Labcorp
Classification: Uncertain significance for NIK deficiency. Last evaluated: 2022-07-09. Review status: criteria provided, single submitter. Criteria: Invitae Variant Classification Sherloc (09022015). Collection method: clinical testing. Allele origin: germline.
Comment: This sequence change replaces glutamic acid, which is acidic and polar, with alanine, which is neutral and non-polar, at codon 72 of the MAP3K14 protein (p.Glu72Ala). This variant is present in population databases (rs746803163, gnomAD 0.003%). This variant has not been reported in the literature in individuals affected with MAP3K14-related conditions. Experimental studies and prediction algorithms are not available or were not evaluated, and the functional significance of this variant is currently unknown. In summary, the available evidence is currently insufficient to determine the role of this variant in disease. Therefore, it has been classified as a Variant of Uncertain Significance.